The following is an entry in ClinVar:

ClinVar aggregate classification (germline): Uncertain significance (1 of 4 stars; one submission).

gnomAD v4.1: 1 of 1,614,106 alleles (0.000062%); highest among the groups gnomAD compares: Non-Finnish European, 0.000085%; no homozygotes.

Submission:

Labcorp Genetics (formerly Invitae), Labcorp
Classification: Uncertain significance. Last evaluated: 2025-06-02. Review status: criteria provided, single submitter. Criteria: Invitae Variant Classification Sherloc (09022015). Collection method: clinical testing. Allele origin: germline.
Comment: This sequence change replaces glutamine, which is neutral and polar, with lysine, which is basic and polar, at codon 1782 of the MACF1 protein (p.Gln1782Lys). This variant is not present in population databases (gnomAD no frequency). This variant has not been reported in the literature in individuals affected with MACF1-related conditions. An algorithm developed to predict the effect of missense changes on protein structure and function (PolyPhen-2) suggests that this variant is likely to be tolerated. In summary, the available evidence is currently insufficient to determine the role of this variant in disease. Therefore, it has been classified as a Variant of Uncertain Significance.

NM_001394062.1(MACF1):c.11530C>A (p.Gln3844Lys)

Gene: MACF1 (microtubule actin crosslinking factor 1; plus strand). Cytogenetic location: 1p34.3.
Variant type: single nucleotide variant.
Coding change: c.11530C>A on transcript NM_001394062.1 (MANE Select); coding-DNA position 11530, C replaced by A.
Protein change: p.Gln3844Lys; replaces glutamine 3844 with lysine.
Molecular consequence: missense variant.
Genome position (GRCh38, 1-based): chr1:39,357,480, C>A. VCF-style: chr1-39357480-C-A. GRCh37 (hg19) VCF-style: chr1-39823152-C-A.
Other names: c.5344C>A, p.Gln1782Lys (NM_012090.5); short protein forms Q1782K, Q3844K.
Identifiers: ClinVar variation 4720609 (VCV004720609.1).
Genomic context (GRCh38, chr1:39,357,480, plus strand): 5'-GCCACCCAGTCAGCTCAGGCCTTCTTGGATCAGCATGGCCACAATCTCACACCTGAGGAG[C>A]AACAGATGCTGCAACAGAAGCTGGGAGAGCTAAAGGAACAATACTCTACTTCCCTGGCCC-3'
Protein context (NP_001380991.1, residues 3834-3854): QHGHNLTPEE[Gln3844Lys]QMLQQKLGEL